The following is an entry in ClinVar:

NM_015136.3(STAB1):c.3429C>T (p.Leu1143=)

Gene: STAB1 (stabilin 1; plus strand). Cytogenetic location: 3p21.1.
Variant type: single nucleotide variant.
Coding change: c.3429C>T on transcript NM_015136.3 (MANE Select); coding-DNA position 3429, C replaced by T.
Protein change: p.Leu1143=; no amino-acid change (leucine 1143 retained).
Molecular consequence: synonymous variant.
Genome position (GRCh38, 1-based): chr3:52,513,963, C>T. VCF-style: chr3-52513963-C-T. GRCh37 (hg19) VCF-style: chr3-52547979-C-T.
Identifiers: ClinVar variation 2653894 (VCV002653894.24), dbSNP rs1038939908, ClinGen allele CA433889228.

ClinVar aggregate classification (germline): Likely benign (1 of 4 stars; one submission).

Allele frequency attached by ClinVar (database versions not stated): gnomAD 0.00001.
gnomAD v4.1: 4 of 1,603,906 alleles (0.00025%); highest among the groups gnomAD compares: Middle Eastern, 0.033%; no homozygotes.

Submission:

CeGaT Center for Human Genetics Tuebingen
Classification: Likely benign. Last evaluated: 2023-01-01. Review status: criteria provided, single submitter. Criteria: CeGaT Center For Human Genetics Tuebingen Variant Classification Criteria Version 2. Collection method: clinical testing. Allele origin: germline. Affected: yes. Observed: 1 variant allele.
Comment: STAB1: BP4, BP7